The following is an entry in ClinVar:

NM_000075.4(CDK4):c.289G>A (p.Asp97Asn)

Gene: CDK4 (cyclin dependent kinase 4; minus strand). Cytogenetic location: 12q14.1.
Variant type: single nucleotide variant.
Coding change: c.289G>A on transcript NM_000075.4 (MANE Select); coding-DNA position 289, G replaced by A.
Protein change: p.Asp97Asn; replaces aspartic acid 97 with asparagine.
Molecular consequence: missense variant.
Genome position (GRCh38, 1-based): chr12:57,751,272, C>T on the plus strand (G>A on the coding strand, the complement: CDK4 is on the minus strand). VCF-style: chr12-57751272-C-T. GRCh37 (hg19) VCF-style: chr12-58145055-C-T.
Other names: short protein forms D97N.
Identifiers: ClinVar variation 532295 (VCV000532295.8), dbSNP rs1060501932, ClinGen allele CA385547935.

ClinVar aggregate classification (germline): Uncertain significance (1 of 4 stars; one submission).

Conditions:
Familial melanoma. Also called: Hereditary melanoma; Hereditary cutaneous melanoma. Identifiers: Orphanet 618, MedGen C1512419, MONDO:0018961.

Allele frequency attached by ClinVar (database versions not stated): TOPMed below 0.00001.

Submission:

Labcorp Genetics (formerly Invitae), Labcorp
Classification: Uncertain significance for Familial melanoma. Last evaluated: 2017-10-10. Review status: criteria provided, single submitter. Criteria: Invitae Variant Classification Sherloc (09022015). Collection method: clinical testing. Allele origin: germline.
Comment: In summary, the available evidence is currently insufficient to determine the role of this variant in disease. Therefore, it has been classified as a Variant of Uncertain Significance. Algorithms developed to predict the effect of missense changes on protein structure and function do not agree on the potential impact of this missense change (SIFT: "Deleterious"; PolyPhen-2: "Benign"; Align-GVGD: "Class C0"). This variant has not been reported in the literature in individuals with CDK4-related disease. This variant is not present in population databases (ExAC no frequency). This sequence change replaces aspartic acid with asparagine at codon 97 of the CDK4 protein (p.Asp97Asn). The aspartic acid residue is highly conserved and there is a small physicochemical difference between aspartic acid and asparagine.